The following is an entry in ClinVar:

NM_015311.3(OBSL1):c.2175G>A (p.Ser725=)

Gene: OBSL1 (obscurin like cytoskeletal adaptor 1; minus strand). Cytogenetic location: 2q35.
Variant type: single nucleotide variant.
Coding change: c.2175G>A on transcript NM_015311.3 (MANE Select); coding-DNA position 2175, G replaced by A.
Protein change: p.Ser725=; no amino-acid change (serine 725 retained).
Molecular consequence: synonymous variant.
Genome position (GRCh38, 1-based): chr2:219,565,474, C>T on the plus strand (G>A on the coding strand, the complement: OBSL1 is on the minus strand). VCF-style: chr2-219565474-C-T. GRCh37 (hg19) VCF-style: chr2-220430196-C-T.
Other names: c.2175G>A, p.Ser725= (NM_001173408.2, NM_001173431.2).
Identifiers: ClinVar variation 1552377 (VCV001552377.31), dbSNP rs376487302, ClinGen allele CA2131301.
Genomic context (GRCh38, chr2:219,565,474, plus strand): 5'-GAAGTCCACCCTTGAGAGCTCACAAGTCAGCACCACCCGCTCTGAGGTTGTGAAGGTCAA[C>T]GACACCCTGTCCTGGGGGCTCAGGATGTGCACCGGGCTCTCTGTGTGGGGAGAAGTACAG-3'
Protein context (NP_056126.1, residues 715-735): VHILSPQDRV[Ser725=]LTFTTSERVV

ClinVar aggregate classification (germline): Likely benign. Review status: criteria provided, multiple submitters, no conflicts (2 of 4 stars). 2 submissions from 2 submitters: Likely benign (2). Last evaluated 2025-03-19.

Allele frequency attached by ClinVar (database versions not stated): ESP Exome Variant Server 0.00008; gnomAD 0.00008.
gnomAD v4.1: 217 of 1,612,246 alleles (0.013%); highest among the groups gnomAD compares: Middle Eastern, 0.066%; no homozygotes.

Submissions (2):

Labcorp Genetics (formerly Invitae), Labcorp
Classification: Likely benign. Last evaluated: 2025-03-19. Review status: criteria provided, single submitter. Criteria: Invitae Variant Classification Sherloc (09022015). Collection method: clinical testing. Allele origin: germline.

CeGaT Center for Human Genetics Tuebingen
Classification: Likely benign. Last evaluated: 2023-04-01. Review status: criteria provided, single submitter. Criteria: CeGaT Center For Human Genetics Tuebingen Variant Classification Criteria Version 2. Collection method: clinical testing. Allele origin: germline. Affected: yes. Observed: 1 variant allele.
Comment: OBSL1: BP4, BP7